The following is an entry in ClinVar:

ClinVar aggregate classification (germline): Uncertain significance. Review status: criteria provided, multiple submitters, no conflicts (2 of 4 stars). 3 submissions from 3 submitters: Uncertain significance (3). Last evaluated 2025-12-16.

Conditions:
Inborn genetic diseases. Identifiers: MedGen C0950123, MeSH D030342.

Allele frequency attached by ClinVar (database versions not stated): TOPMed 0.00003; gnomAD exomes below 0.00001; gnomAD 0.00003.
gnomAD v4.1: 8 of 1,613,288 alleles (0.0005%); highest among the groups gnomAD compares: African/African-American, 0.011%; no homozygotes.

Submissions (3):

Labcorp Genetics (formerly Invitae), Labcorp
Classification: Uncertain significance. Last evaluated: 2025-12-16. Review status: criteria provided, single submitter. Criteria: Invitae Variant Classification Sherloc (09022015). Collection method: clinical testing. Allele origin: germline.
Comment: This sequence change replaces isoleucine, which is neutral and non-polar, with threonine, which is neutral and polar, at codon 367 of the ANKRD26 protein (p.Ile367Thr). This variant is present in population databases (no rsID available, gnomAD 0.01%). This variant has not been reported in the literature in individuals affected with ANKRD26-related conditions. ClinVar contains an entry for this variant (Variation ID: 2698594). An algorithm developed to predict the effect of missense changes on protein structure and function outputs the following: PolyPhen-2: "Benign". The threonine amino acid residue is found in multiple mammalian species, which suggests that this missense change does not adversely affect protein function. In summary, the available evidence is currently insufficient to determine the role of this variant in disease. Therefore, it has been classified as a Variant of Uncertain Significance.

Ambry Genetics
Classification: Uncertain significance for Inborn genetic diseases. Last evaluated: 2024-11-18. Review status: criteria provided, single submitter. Criteria: Ambry Variant Classification Scheme 2023. Collection method: clinical testing. Allele origin: germline.
Comment: The p.I367T variant (also known as c.1100T>C), located in coding exon 10 of the ANKRD26 gene, results from a T to C substitution at nucleotide position 1100. The isoleucine at codon 367 is replaced by threonine, an amino acid with similar properties. This amino acid position is conserved. In addition, this alteration is predicted to be tolerated by in silico analysis. Based on the available evidence, the clinical significance of this variant remains unclear.

GeneDx
Classification: Uncertain significance. Last evaluated: 2023-12-24. Review status: criteria provided, single submitter. Criteria: GeneDx Variant Classification Process June 2021. Collection method: clinical testing. Allele origin: germline. Affected: yes.
Comment: In silico analysis supports that this missense variant does not alter protein structure/function; Has not been previously published as pathogenic or benign to our knowledge

NM_014915.3(ANKRD26):c.1100T>C (p.Ile367Thr)

Gene: ANKRD26 (ankyrin repeat domain 26; minus strand). Cytogenetic location: 10p12.1.
Variant type: single nucleotide variant.
Coding change: c.1100T>C on transcript NM_014915.3 (MANE Select); coding-DNA position 1100, T replaced by C.
Protein change: p.Ile367Thr; replaces isoleucine 367 with threonine.
Molecular consequence: missense variant.
Genome position (GRCh38, 1-based): chr10:27,067,264, A>G on the plus strand (T>C on the coding strand, the complement: ANKRD26 is on the minus strand). VCF-style: chr10-27067264-A-G. GRCh37 (hg19) VCF-style: chr10-27356193-A-G.
Other names: c.1100T>C, p.Ile367Thr (NM_001256053.2); short protein forms I367T.
Identifiers: ClinVar variation 2698594 (VCV002698594.5), dbSNP rs1268868525, ClinGen allele CA376360062.